The following is an entry in ClinVar:

NM_152383.5(DIS3L2):c.1195C>T (p.Leu399Phe)

Gene: DIS3L2 (DIS3 like 3'-5' exoribonuclease 2; plus strand). Cytogenetic location: 2q37.1.
Variant type: single nucleotide variant.
Coding change: c.1195C>T on transcript NM_152383.5 (MANE Select); coding-DNA position 1195, C replaced by T.
Protein change: p.Leu399Phe; replaces leucine 399 with phenylalanine.
Molecular consequence: missense variant. On other transcripts: non-coding transcript variant (2).
Genome position (GRCh38, 1-based): chr2:232,210,396, C>T. VCF-style: chr2-232210396-C-T. GRCh37 (hg19) VCF-style: chr2-233075106-C-T.
Other names: c.1195C>T, p.Leu399Phe (NM_001257281.2); short protein forms L399F.
Identifiers: ClinVar variation 3001652 (VCV003001652.3), dbSNP rs1692155006, ClinGen allele CA351154123.

ClinVar aggregate classification (germline): Uncertain significance (1 of 4 stars; one submission).

Conditions:
Perlman syndrome (PRLMNS). Identifiers: Orphanet 2849, MedGen C0796113, MONDO:0009965, OMIM 267000.

Submission:

Labcorp Genetics (formerly Invitae), Labcorp
Classification: Uncertain significance for Perlman syndrome. Last evaluated: 2025-06-01. Review status: criteria provided, single submitter. Criteria: Invitae Variant Classification Sherloc (09022015). Collection method: clinical testing. Allele origin: germline.
Comment: This sequence change replaces leucine, which is neutral and non-polar, with phenylalanine, which is neutral and non-polar, at codon 399 of the DIS3L2 protein (p.Leu399Phe). This variant is not present in population databases (gnomAD no frequency). This variant has not been reported in the literature in individuals affected with DIS3L2-related conditions. ClinVar contains an entry for this variant (Variation ID: 3001652). Invitae Evidence Modeling of protein sequence and biophysical properties (such as structural, functional, and spatial information, amino acid conservation, physicochemical variation, residue mobility, and thermodynamic stability) has been performed for this missense variant. However, the output from this modeling did not meet the statistical confidence thresholds required to predict the impact of this variant on DIS3L2 protein function. In summary, the available evidence is currently insufficient to determine the role of this variant in disease. Therefore, it has been classified as a Variant of Uncertain Significance.